The following is an entry in ClinVar:

ClinVar aggregate classification (germline): Benign/Likely benign. Review status: criteria provided, multiple submitters, no conflicts (2 of 4 stars). 3 submissions from 3 submitters: Benign (1); Likely benign (2). Last evaluated 2025-02-25.

Conditions:
Hereditary cancer-predisposing syndrome. Also called: Neoplastic Syndromes, Hereditary; Tumor predisposition; Hereditary Cancer Syndrome; Hereditary neoplastic syndrome. Identifiers: Orphanet 140162, MedGen C0027672, MeSH D009386, MONDO:0015356.
Breast-ovarian cancer, familial, susceptibility to, 4. Identifiers: Orphanet 145, MedGen C3280345, MONDO:0013669, OMIM 614291.

Submissions (3):

Myriad Genetics, Inc.
Classification: Benign for Breast-ovarian cancer, familial, susceptibility to, 4. Last evaluated: 2025-02-25. Review status: criteria provided, single submitter. Criteria: Myriad Autosomal Dominant, Autosomal Recessive and X-Linked Classification Criteria (2023). Collection method: clinical testing. Allele origin: unknown.
Comment: This variant is considered benign. This variant is a silent/synonymous amino acid change and it is not expected to impact splicing.

Ambry Genetics
Classification: Likely benign for Hereditary cancer-predisposing syndrome. Last evaluated: 2024-11-27. Review status: criteria provided, single submitter. Criteria: Ambry Variant Classification Scheme 2023. Collection method: clinical testing. Allele origin: germline.

Labcorp Genetics (formerly Invitae), Labcorp
Classification: Likely benign for Breast-ovarian cancer, familial, susceptibility to, 4. Last evaluated: 2023-11-22. Review status: criteria provided, single submitter. Criteria: Invitae Variant Classification Sherloc (09022015). Collection method: clinical testing. Allele origin: germline.

NM_002878.4(RAD51D):c.885G>A (p.Leu295=)

Genes: RAD51L3-RFFL (RAD51L3-RFFL readthrough; minus strand), RAD51D (RAD51 paralog D; minus strand). Cytogenetic location: 17q12.
Variant type: single nucleotide variant.
Coding change: c.885G>A on transcript NM_002878.4 (MANE Select); coding-DNA position 885, G replaced by A.
Protein change: p.Leu295=; no amino-acid change (leucine 295 retained).
Molecular consequence: synonymous variant. On other transcripts: non-coding transcript variant (3).
Genome position (GRCh38, 1-based): chr17:35,101,219, C>T on the plus strand (G>A on the coding strand, the complement: RAD51D is on the minus strand). VCF-style: chr17-35101219-C-T. GRCh37 (hg19) VCF-style: chr17-33428238-C-T.
Other names: c.945G>A, p.Leu315= (NM_001142571.2); c.549G>A, p.Leu183= (NM_133629.3).
Identifiers: ClinVar variation 232351 (VCV000232351.9), dbSNP rs876659714, ClinGen allele CA10580441.